The following is an entry in ClinVar:

NM_018418.5(SPATA7):c.620T>A (p.Phe207Tyr)

Gene: SPATA7 (spermatogenesis associated 7; plus strand). Cytogenetic location: 14q31.3.
Variant type: single nucleotide variant.
Coding change: c.620T>A on transcript NM_018418.5 (MANE Select); coding-DNA position 620, T replaced by A.
Protein change: p.Phe207Tyr; replaces phenylalanine 207 with tyrosine.
Molecular consequence: missense variant.
Genome position (GRCh38, 1-based): chr14:88,426,479, T>A. VCF-style: chr14-88426479-T-A. GRCh37 (hg19) VCF-style: chr14-88892823-T-A.
Other names: c.524T>A, p.Phe175Tyr (NM_001040428.4); short protein forms F175Y, F207Y.
Identifiers: ClinVar variation 1343692 (VCV001343692.9), dbSNP rs1177680731, ClinGen allele CA390563351.
Genomic context (GRCh38, chr14:88,426,479, plus strand): 5'-CCTCCGGGCCCCGGAAACTGAGCTCTGGAGCCCTGTATGGCAGAAGGCCCAGAAGCACAT[T>A]CCCAAATTCCCACCGGTTTCAGTTAGTCATTTCGAAAGCACCCAGTGGGGATCTTTTGGA-3'
Protein context (NP_060888.2, residues 197-217): ALYGRRPRST[Phe207Tyr]PNSHRFQLVI

ClinVar aggregate classification (germline): Uncertain significance. Review status: criteria provided, multiple submitters, no conflicts (2 of 4 stars). 3 submissions from 3 submitters: Uncertain significance (3). Last evaluated 2022-10-14.

Conditions:
SPATA7-related disorder. Also called: SPATA7-related disorders; SPATA7-related condition. Identifiers: MedGen CN239422.
Leber congenital amaurosis 3 (LCA3). Also called: SPATA7-Related Retinitis Pigmentosa. Identifiers: MedGen C1858677, MONDO:0011415, OMIM 604232.

Allele frequency attached by ClinVar (database versions not stated): gnomAD exomes below 0.00001; gnomAD 0.00001; TOPMed 0.00001.
gnomAD v4.1: 7 of 1,614,036 alleles (0.00043%); highest among the groups gnomAD compares: Admixed American, 0.0083%; no homozygotes.

Submissions (3):

Blueprint Genetics
Classification: Uncertain significance. Last evaluated: 2022-10-14. Review status: criteria provided, single submitter. Criteria: ACMG Guidelines, 2015. Collection method: clinical testing. Allele origin: germline.

Women's Health and Genetics/Laboratory Corporation of America, LabCorp
Classification: Uncertain significance. Last evaluated: 2022-02-18. Review status: criteria provided, single submitter. Criteria: LabCorp Variant Classification Summary - May 2015. Collection method: clinical testing. Allele origin: germline.

Labcorp Genetics (formerly Invitae), Labcorp
Classification: Uncertain significance for Leber congenital amaurosis 3. Last evaluated: 2021-08-26. Review status: criteria provided, single submitter. Criteria: Invitae Variant Classification Sherloc (09022015). Collection method: clinical testing. Allele origin: germline.
Comment: This sequence change replaces phenylalanine with tyrosine at codon 207 of the SPATA7 protein (p.Phe207Tyr). The phenylalanine residue is weakly conserved and there is a small physicochemical difference between phenylalanine and tyrosine. This variant is not present in population databases (ExAC no frequency). This variant has not been reported in the literature in individuals affected with SPATA7-related conditions. Algorithms developed to predict the effect of missense changes on protein structure and function are either unavailable or do not agree on the potential impact of this missense change (SIFT: "Tolerated"; PolyPhen-2: "Possibly Damaging"; Align-GVGD: "Class C0"). In summary, the available evidence is currently insufficient to determine the role of this variant in disease. Therefore, it has been classified as a Variant of Uncertain Significance.